The following is an entry in ClinVar:

ClinVar aggregate classification (germline): Uncertain significance (1 of 4 stars; one submission).

Conditions:
Hereditary spastic paraplegia 11. Also called: SPASTIC PARAPLEGIA, AUTOSOMAL RECESSIVE, COMPLICATED, WITH THIN CORPUS CALLOSUM; SPASTIC PARAPLEGIA, AUTOSOMAL RECESSIVE, WITH MENTAL IMPAIRMENT AND THIN CORPUS CALLOSUM; Spastic paraplegia, mental retardation and thin corpus callosum; Nakamura Osame syndrome; Autosomal recessive hereditary spastic paraplegia, mental impairment, and thin corpus callosum; Spastic Paraplegia 11. Identifiers: Orphanet 2822, MedGen C1858479, MONDO:0011445, OMIM 604360.

Allele frequency attached by ClinVar (database versions not stated): gnomAD exomes below 0.00001.
gnomAD v4.1: 4 of 1,614,180 alleles (0.00025%); highest among the groups gnomAD compares: Non-Finnish European, 0.00034%; no homozygotes.

Submission:

Labcorp Genetics (formerly Invitae), Labcorp
Classification: Uncertain significance for Hereditary spastic paraplegia 11. Last evaluated: 2021-08-24. Review status: criteria provided, single submitter. Criteria: Invitae Variant Classification Sherloc (09022015). Collection method: clinical testing. Allele origin: germline.
Comment: This sequence change replaces tyrosine with asparagine at codon 111 of the SPG11 protein (p.Tyr111Asn). The tyrosine residue is moderately conserved and there is a large physicochemical difference between tyrosine and asparagine. This variant is not present in population databases (ExAC no frequency). This variant has not been reported in the literature in individuals affected with SPG11-related conditions. Algorithms developed to predict the effect of missense changes on protein structure and function output the following: SIFT: "Tolerated"; PolyPhen-2: "Benign"; Align-GVGD: "Class C0". The asparagine amino acid residue is found in multiple mammalian species, which suggests that this missense change does not adversely affect protein function. In summary, the available evidence is currently insufficient to determine the role of this variant in disease. Therefore, it has been classified as a Variant of Uncertain Significance.

NM_025137.4(SPG11):c.331T>A (p.Tyr111Asn)

Gene: SPG11 (SPG11 vesicle trafficking associated, spatacsin; minus strand). Cytogenetic location: 15q21.1.
Variant type: single nucleotide variant.
Coding change: c.331T>A on transcript NM_025137.4 (MANE Select); coding-DNA position 331, T replaced by A.
Protein change: p.Tyr111Asn; replaces tyrosine 111 with asparagine.
Molecular consequence: missense variant.
Genome position (GRCh38, 1-based): chr15:44,660,543, A>T on the plus strand (T>A on the coding strand, the complement: SPG11 is on the minus strand). VCF-style: chr15-44660543-A-T. GRCh37 (hg19) VCF-style: chr15-44952741-A-T.
Other names: c.331T>A, p.Tyr111Asn (NM_001160227.2); short protein forms Y111N.
Identifiers: ClinVar variation 857621 (VCV000857621.7), dbSNP rs2085074518, ClinGen allele CA392238314.